The following is an entry in ClinVar:

NM_005670.3(EPM2A):c.-41G>A

Genes: EPM2A (EPM2A glucan phosphatase, laforin; minus strand), EPM2A-DT (EPM2A divergent transcript; plus strand), LOC129997381 (ATAC-STARR-seq lymphoblastoid silent region 17642; plus strand). Cytogenetic location: 6q24.3.
Variant type: single nucleotide variant.
Coding change: c.-41G>A on transcript NM_005670.3; 41 bases upstream of the start codon, G replaced by A.
Molecular consequence: intron variant (on NM_001360064.2).
Genome position (GRCh38, 1-based): chr6:145,735,539, C>T on the plus strand (G>A on the coding strand, the complement: EPM2A is on the minus strand). VCF-style: chr6-145735539-C-T. GRCh37 (hg19) VCF-style: chr6-146056675-C-T.
Other names: c.-114+369G>A (NM_001360064.2).
Identifiers: ClinVar variation 386979 (VCV000386979.3), dbSNP rs1057522658, ClinGen allele CA16604870.

ClinVar aggregate classification (germline): Likely benign (1 of 4 stars; one submission).

Allele frequency attached by ClinVar (database versions not stated): TOPMed 0.00001; gnomAD 0.00006.
gnomAD v4.1: 5 of 1,160,518 alleles (0.00043%); highest among the groups gnomAD compares: East Asian, 0.004%; no homozygotes.

Submission:

GeneDx
Classification: Likely benign. Last evaluated: 2016-06-21. Review status: criteria provided, single submitter. Criteria: GeneDx Variant Classification (06012015). Collection method: clinical testing. Allele origin: germline. Affected: yes.
Comment: This variant is considered likely benign or benign based on one or more of the following criteria: it is a conservative change, it occurs at a poorly conserved position in the protein, it is predicted to be benign by multiple in silico algorithms, and/or has population frequency not consistent with disease.